The following is an entry in ClinVar:

NM_001372044.2(SHANK3):c.3337A>G (p.Ser1113Gly)

Gene: SHANK3 (SH3 and multiple ankyrin repeat domains 3; plus strand). Cytogenetic location: 22q13.33.
Variant type: single nucleotide variant.
Coding change: c.3337A>G on transcript NM_001372044.2 (MANE Select); coding-DNA position 3337, A replaced by G.
Protein change: p.Ser1113Gly; replaces serine 1113 with glycine.
Molecular consequence: missense variant.
Genome position (GRCh38, 1-based): chr22:50,720,945, A>G. VCF-style: chr22-50720945-A-G. GRCh37 (hg19) VCF-style: chr22-51159373-A-G.
Other names: c.3112A>G, p.Ser1038Gly (NM_033517.1); short protein forms S1038G, S1113G.
Identifiers: ClinVar variation 588108 (VCV000588108.5), dbSNP rs949742097, ClinGen allele CA325578461.

ClinVar aggregate classification (germline): Uncertain significance (1 of 4 stars; one submission).

Conditions:
Inborn genetic diseases. Identifiers: MedGen C0950123, MeSH D030342.

Allele frequency attached by ClinVar (database versions not stated): gnomAD exomes 0.00001 and 0.00004; gnomAD 0.00003; TOPMed 0.00005.

Submission:

Ambry Genetics
Classification: Uncertain significance for Inborn genetic diseases. Last evaluated: 2016-07-29. Review status: criteria provided, single submitter. Criteria: Ambry Variant Classification Scheme 2023. Collection method: clinical testing. Allele origin: germline.
Comment: The p.S1038G variant (also known as c.3112A>G), located in coding exon 21 of the SHANK3 gene, results from an A to G substitution at nucleotide position 3112. The serine at codon 1038 is replaced by glycine, an amino acid with similar properties. This variant was not reported in population based cohorts in the following databases: Database of Single Nucleotide Polymorphisms (dbSNP), NHLBI Exome Sequencing Project (ESP), and 1000 Genomes Project. In the ESP, this variant was not observed in 5424 samples (10848 alleles) with coverage at this position. This nucleotide position is not well conserved in available vertebrate species. Since supporting evidence is limited at this time, the clinical significance of this alteration remains unclear.